The following is an entry in ClinVar:

NM_033409.4(SLC52A3):c.-3G>A

Gene: SLC52A3 (solute carrier family 52 member 3; minus strand). Cytogenetic location: 20p13.
Variant type: single nucleotide variant.
Coding change: c.-3G>A on transcript NM_033409.4 (MANE Select); 3 bases upstream of the start codon, G replaced by A.
Molecular consequence: 5 prime UTR variant.
Genome position (GRCh38, 1-based): chr20:765,777, C>T on the plus strand (G>A on the coding strand, the complement: SLC52A3 is on the minus strand). VCF-style: chr20-765777-C-T. GRCh37 (hg19) VCF-style: chr20-746421-C-T.
Other names: c.-3G>A (NM_001370085.1, NM_001370086.1).
Identifiers: ClinVar variation 4684403 (VCV004684403.1).

ClinVar aggregate classification (germline): Likely benign (1 of 4 stars; one submission).

Submission:

Mayo Clinic Laboratories, Mayo Clinic
Classification: Likely benign. Last evaluated: 2025-01-20. Review status: criteria provided, single submitter. Criteria: ACMG Guidelines, 2015. Collection method: clinical testing. Allele origin: germline. Observed: 1 variant allele.
Comment: BP4, BP7